The following is an entry in ClinVar:

NM_001267550.2(TTN):c.91707G>C (p.Lys30569Asn)

Genes: TTN (titin; minus strand), TTN-AS1 (TTN antisense RNA 1; plus strand). Cytogenetic location: 2q31.2.
Variant type: single nucleotide variant.
Coding change: c.91707G>C on transcript NM_001267550.2 (MANE Select); coding-DNA position 91707, G replaced by C.
Protein change: p.Lys30569Asn; replaces lysine 30569 with asparagine.
Molecular consequence: missense variant.
Genome position (GRCh38, 1-based): chr2:178,550,131, C>G on the plus strand (G>C on the coding strand, the complement: TTN is on the minus strand). VCF-style: chr2-178550131-C-G. GRCh37 (hg19) VCF-style: chr2-179414858-C-G.
Other names: c.86784G>C, p.Lys28928Asn (NM_001256850.1); c.64512G>C, p.Lys21504Asn (NM_003319.4); c.84003G>C, p.Lys28001Asn (NM_133378.4); c.64887G>C, p.Lys21629Asn (NM_133432.3); c.65088G>C, p.Lys21696Asn (NM_133437.4); c.91707G>C (NM_001267550.1); short protein forms K30569N, K21629N, K21504N, K21696N, K28001N, K28928N.
Identifiers: ClinVar variation 405052 (VCV000405052.4), dbSNP rs1060500543, ClinGen allele CA16610327.

ClinVar aggregate classification (germline): Uncertain significance. Review status: criteria provided, multiple submitters, no conflicts (2 of 4 stars). 2 submissions from 2 submitters: Uncertain significance (2). Last evaluated 2026-03-20.

Conditions:
Dilated cardiomyopathy 1G (CMD1G). Identifiers: Orphanet 154, MedGen C1858763, MONDO:0011400, OMIM 604145.
Autosomal recessive limb-girdle muscular dystrophy type 2J (LGMDR10). Also called: Limb-girdle muscular dystrophy, type 2J; MUSCULAR DYSTROPHY, LIMB-GIRDLE, AUTOSOMAL RECESSIVE 10. Identifiers: Orphanet 140922, MedGen C1837342, MONDO:0012127, OMIM 608807.

Allele frequency attached by ClinVar (database versions not stated): gnomAD exomes below 0.00001 and 0.00001.

Submissions (2):

GeneDx
Classification: Uncertain significance. Last evaluated: 2026-03-20. Review status: criteria provided, single submitter. Criteria: GeneDx Variant Classification Process June 2021. Collection method: clinical testing. Allele origin: germline.
Comment: Not observed at significant frequency in large population cohorts (gnomAD); Missense variant in a gene in which most reported pathogenic variants are truncating/loss of function; Has not been previously published as pathogenic or benign to our knowledge

Labcorp Genetics (formerly Invitae), Labcorp
Classification: Uncertain significance for Dilated cardiomyopathy 1G; Autosomal recessive limb-girdle muscular dystrophy type 2J. Last evaluated: 2016-12-25. Review status: criteria provided, single submitter. Criteria: Invitae Variant Classification Sherloc (09022015). Collection method: clinical testing. Allele origin: germline.